The following is an entry in ClinVar:

ClinVar aggregate classification (germline): Uncertain significance (1 of 4 stars; one submission).

Submission:

GeneDx
Classification: Uncertain significance. Last evaluated: 2024-05-24. Review status: criteria provided, single submitter. Criteria: GeneDx Variant Classification Process June 2021. Collection method: clinical testing. Allele origin: germline. Affected: yes.
Comment: Not observed at significant frequency in large population cohorts (gnomAD); In silico analysis indicates that this missense variant does not alter protein structure/function; Has not been previously published as pathogenic or benign to our knowledge

NM_001366521.1(ATP2B1):c.3538C>G (p.Pro1180Ala)

Gene: ATP2B1 (ATPase plasma membrane Ca2+ transporting 1; minus strand). Cytogenetic location: 12q21.33.
Variant type: single nucleotide variant.
Coding change: c.3538C>G on transcript NM_001366521.1 (MANE Select); coding-DNA position 3538, C replaced by G.
Protein change: p.Pro1180Ala; replaces proline 1180 with alanine.
Molecular consequence: missense variant. On other transcripts: 3 prime UTR variant (9), non-coding transcript variant (3).
Genome position (GRCh38, 1-based): chr12:89,591,109, G>C on the plus strand (C>G on the coding strand, the complement: ATP2B1 is on the minus strand). VCF-style: chr12-89591109-G-C. GRCh37 (hg19) VCF-style: chr12-89984886-G-C.
Other names: c.*161C>G (NM_001001323.2, NM_001366523.1, NM_001366528.1 and 2 more transcripts); c.3538C>G, p.Pro1180Ala (NM_001366520.1, NM_001366522.1, NM_001413046.1 and 2 more transcripts); c.3625C>G, p.Pro1209Ala (NM_001366524.1, NM_001366525.1); c.*174C>G (NM_001366526.1, NM_001366527.1, NM_001366529.1 and 1 more transcripts); c.3499C>G, p.Pro1167Ala (NM_001413048.1); c.3430C>G, p.Pro1144Ala (NM_001413049.1, NM_001413050.1); c.3397C>G, p.Pro1133Ala (NM_001413051.1, NM_001413052.1); c.3340C>G, p.Pro1114Ala (NM_001413053.1); and 5 more; short protein forms P1029A, P1095A, P1097A, P1099A, P1114A, P1133A, P1144A, P1167A.
Identifiers: ClinVar variation 3381342 (VCV003381342.1).
Genomic context (GRCh38, chr12:89,591,109, plus strand): 5'-TTTCTATTGTAAGGTGAATTCCACTGTCAACAGCATTGTTATTTTTGTTGGGAGAGGGTG[G>C]AGGACTGGAGTTACGTTTTGTAGGAGCATCATCTTCGGCATCAGTGTCATCAATAAGGGG-3'
Protein context (NP_001353450.1, residues 1170-1190): DAPTKRNSSP[Pro1180Ala]PSPNKNNNAV